The following is an entry in ClinVar:

ClinVar aggregate classification (germline): Uncertain significance (1 of 4 stars; one submission).

gnomAD v4.1: 3 of 1,609,270 alleles (0.00019%); highest among the groups gnomAD compares: South Asian, 0.0011%; no homozygotes.

Submission:

Ambry Genetics
Classification: Uncertain significance. Last evaluated: 2025-01-03. Review status: criteria provided, single submitter. Criteria: Ambry Variant Classification Scheme 2023. Collection method: clinical testing. Allele origin: germline.
Comment: The p.A259S variant (also known as c.775G>T), located in coding exon 6 of the GEN1 gene, results from a G to T substitution at nucleotide position 775. The alanine at codon 259 is replaced by serine, an amino acid with similar properties. This amino acid position is conserved. In addition, this alteration is predicted to be tolerated by in silico analysis. Based on the available evidence, the clinical significance of this variant remains unclear.

NM_001130009.3(GEN1):c.775G>T (p.Ala259Ser)

Gene: GEN1 (GEN1 Holliday junction 5' flap endonuclease; plus strand). Cytogenetic location: 2p24.2.
Variant type: single nucleotide variant.
Coding change: c.775G>T on transcript NM_001130009.3 (MANE Select); coding-DNA position 775, G replaced by T.
Protein change: p.Ala259Ser; replaces alanine 259 with serine.
Molecular consequence: missense variant.
Genome position (GRCh38, 1-based): chr2:17,771,260, G>T. VCF-style: chr2-17771260-G-T. GRCh37 (hg19) VCF-style: chr2-17952527-G-T.
Other names: c.775G>T, p.Ala259Ser (NM_182625.5); short protein forms A259S.
Identifiers: ClinVar variation 3853478 (VCV003853478.1).
Genomic context (GRCh38, chr2:17,771,260, plus strand): 5'-AATCGGTGGAATGAAACATCTTGTAACTCTAGTCCACAACTGCTAGTCACTAAAAAACTG[G>T]CTCATTGTTCCGTATGTTCCCATCCAGGTAAGGAGACATAGGGAATGGTTATTAGTATCT-3'
Protein context (NP_001123481.3, residues 249-269): SPQLLVTKKL[Ala259Ser]HCSVCSHPGS